The following is an entry in ClinVar:

NM_020693.4(DSCAML1):c.4346C>T (p.Thr1449Met)

Gene: DSCAML1 (DS cell adhesion molecule like 1; minus strand). Cytogenetic location: 11q23.3.
Variant type: single nucleotide variant.
Coding change: c.4346C>T on transcript NM_020693.4 (MANE Select); coding-DNA position 4346, C replaced by T.
Protein change: p.Thr1449Met; replaces threonine 1449 with methionine.
Molecular consequence: missense variant.
Genome position (GRCh38, 1-based): chr11:117,437,981, G>A on the plus strand (C>T on the coding strand, the complement: DSCAML1 is on the minus strand). VCF-style: chr11-117437981-G-A. GRCh37 (hg19) VCF-style: chr11-117308697-G-A.
Other names: short protein forms T1449M.
Identifiers: ClinVar variation 1904648 (VCV001904648.5), dbSNP rs748633810, ClinGen allele CA6296404.

ClinVar aggregate classification (germline): Uncertain significance (1 of 4 stars; one submission).

Allele frequency attached by ClinVar (database versions not stated): gnomAD 0.00002; ExAC 0.00003; TOPMed 0.00004.
gnomAD v4.1: 18 of 1,613,998 alleles (0.0011%); highest among the groups gnomAD compares: East Asian, 0.02%; no homozygotes.

Submission:

Labcorp Genetics (formerly Invitae), Labcorp
Classification: Uncertain significance. Last evaluated: 2022-12-31. Review status: criteria provided, single submitter. Criteria: Invitae Variant Classification Sherloc (09022015). Collection method: clinical testing. Allele origin: germline.
Comment: This missense change has been observed in individual(s) with autism spectrum disorder (PMID: 33501714). This variant is present in population databases (rs748633810, gnomAD 0.02%). This sequence change replaces threonine, which is neutral and polar, with methionine, which is neutral and non-polar, at codon 1509 of the DSCAML1 protein (p.Thr1509Met). Algorithms developed to predict the effect of missense changes on protein structure and function are either unavailable or do not agree on the potential impact of this missense change (SIFT: "Deleterious"; PolyPhen-2: "Probably Damaging"; Align-GVGD: "Class C0"). In summary, the available evidence is currently insufficient to determine the role of this variant in disease. Therefore, it has been classified as a Variant of Uncertain Significance.

Literature cited by the submitters: PubMed 33501714.